The following is an entry in ClinVar:

ClinVar aggregate classification (germline): Likely benign. Review status: criteria provided, multiple submitters, no conflicts (2 of 4 stars). 4 submissions from 4 submitters: Likely benign (3). 1 of the submissions does not count toward it. Last evaluated 2025-12-26.

Conditions:
CNGB3-related disorder. Also called: CNGB3-related condition; CNGB3-related disorders. Identifiers: MedGen CN239340.
Achromatopsia. Also called: Rod monochromatism. Identifiers: Orphanet 49382, MedGen C0152200, MONDO:0018852, HP:0011516.

Allele frequency attached by ClinVar (database versions not stated): ExAC 0.00006; gnomAD 0.00006 and 0.00007; gnomAD exomes 0.00006 and 0.00018; TOPMed 0.00011; ESP Exome Variant Server 0.00015.
gnomAD v4.1: 285 of 1,607,308 alleles (0.018%); highest among the groups gnomAD compares: Non-Finnish European, 0.022%; no homozygotes.

Submissions (4):

Labcorp Genetics (formerly Invitae), Labcorp
Classification: Likely benign. Last evaluated: 2025-12-26. Review status: criteria provided, single submitter. Criteria: Invitae Variant Classification Sherloc (09022015). Collection method: clinical testing. Allele origin: germline.

PreventionGenetics, part of Exact Sciences
Classification: Likely benign for CNGB3-related condition. Last evaluated: 2025-02-20. Review status: criteria provided, single submitter. Criteria: ACMG Guidelines, 2015. Collection method: clinical testing. Allele origin: germline.
Comment: This variant is classified as likely benign based on ACMG/AMP sequence variant interpretation guidelines (Richards et al. 2015 PMID: 25741868, with internal and published modifications).

Blueprint Genetics
Classification: Likely benign. Last evaluated: 2024-07-02. Review status: criteria provided, single submitter. Criteria: ACMG Guidelines, 2015. Collection method: clinical testing. Allele origin: germline.

Natera, Inc.
Classification: Likely benign for Achromatopsia. Last evaluated: 2020-01-10. Review status: no assertion criteria provided. Collection method: clinical testing. Allele origin: germline. Not counted in ClinVar's aggregate classification.

NM_019098.5(CNGB3):c.1110T>C (p.Val370=)

Gene: CNGB3 (cyclic nucleotide gated channel subunit beta 3; minus strand). Cytogenetic location: 8q21.3.
Variant type: single nucleotide variant.
Coding change: c.1110T>C on transcript NM_019098.5 (MANE Select); coding-DNA position 1110, T replaced by C.
Protein change: p.Val370=; no amino-acid change (valine 370 retained).
Molecular consequence: synonymous variant.
Genome position (GRCh38, 1-based): chr8:86,643,819, A>G on the plus strand (T>C on the coding strand, the complement: CNGB3 is on the minus strand). VCF-style: chr8-86643819-A-G. GRCh37 (hg19) VCF-style: chr8-87656047-A-G.
Identifiers: ClinVar variation 751549 (VCV000751549.14), dbSNP rs148884146, ClinGen allele CA4800156.